The following is an entry in ClinVar:

ClinVar aggregate classification (germline): Benign (1 of 4 stars; one submission).

Allele frequency attached by ClinVar (database versions not stated): gnomAD 0.46189 and 0.45600; TOPMed 0.48858; 1000 Genomes Project 0.53854; 1000 Genomes Project 30x 0.54606.

Submission:

GeneDx
Classification: Benign. Last evaluated: 2018-06-18. Review status: criteria provided, single submitter. Criteria: GeneDx Variant Classification (06012015). Collection method: clinical testing. Allele origin: germline. Affected: yes.
Comment: This variant is considered likely benign or benign based on one or more of the following criteria: it is a conservative change, it occurs at a poorly conserved position in the protein, it is predicted to be benign by multiple in silico algorithms, and/or has population frequency not consistent with disease.

NM_001182.4(ALDH7A1):c.-447C>G

Gene: ALDH7A1 (aldehyde dehydrogenase 7 family member A1; minus strand). Cytogenetic location: 5q23.2.
Variant type: single nucleotide variant.
Coding change: c.-447C>G on transcript NM_001182.4; 447 bases upstream of the start codon, C replaced by G.
Genome position (GRCh38, 1-based): chr5:126,595,645, G>C on the plus strand (C>G on the coding strand, the complement: ALDH7A1 is on the minus strand). VCF-style: chr5-126595645-G-C. GRCh37 (hg19) VCF-style: chr5-125931337-G-C.
Identifiers: ClinVar variation 668773 (VCV000668773.3), dbSNP rs3736174, ClinGen allele CA12009631.